The following is an entry in ClinVar:

ClinVar aggregate classification (germline): Likely benign. Review status: criteria provided, multiple submitters, no conflicts (2 of 4 stars). 2 submissions from 2 submitters: Likely benign (2). Last evaluated 2025-07-01.

Conditions:
Holoprosencephaly 4 (HPE4). Identifiers: Orphanet 2162, MedGen C1840528, MONDO:0007734, OMIM 142946.
TGIF1-related disorder. Also called: TGIF1-related condition.

gnomAD v4.1: 7 of 1,614,130 alleles (0.00043%); highest among the groups gnomAD compares: Admixed American, 0.0017%; no homozygotes.

Submissions (2):

PreventionGenetics, part of Exact Sciences
Classification: Likely benign for TGIF1-related condition. Last evaluated: 2025-07-01. Review status: criteria provided, single submitter. Criteria: ACMG Guidelines, 2015. Collection method: clinical testing. Allele origin: germline.
Comment: This variant is classified as likely benign based on ACMG/AMP sequence variant interpretation guidelines (Richards et al. 2015 PMID: 25741868, with internal and published modifications).

Labcorp Genetics (formerly Invitae), Labcorp
Classification: Likely benign for Holoprosencephaly 4. Last evaluated: 2025-02-17. Review status: criteria provided, single submitter. Criteria: Invitae Variant Classification Sherloc (09022015). Collection method: clinical testing. Allele origin: germline.

NM_003244.4(TGIF1):c.645C>T (p.Tyr215=)

Gene: TGIF1 (TGFB induced factor homeobox 1; plus strand). Cytogenetic location: 18p11.31.
Variant type: single nucleotide variant.
Coding change: c.645C>T on transcript NM_003244.4 (MANE Select); coding-DNA position 645, C replaced by T.
Protein change: p.Tyr215=; no amino-acid change (tyrosine 215 retained).
Molecular consequence: synonymous variant.
Genome position (GRCh38, 1-based): chr18:3,457,766, C>T. VCF-style: chr18-3457766-C-T. GRCh37 (hg19) VCF-style: chr18-3457764-C-T.
Other names: c.645C>T (NM_003244.3); c.654C>T, p.Tyr218= (NM_001278682.2); c.645C>T, p.Tyr215= (NM_001278684.2, NM_173208.3); c.585C>T, p.Tyr195= (NM_001278686.3, NM_001374396.1, NM_001374397.1 and 5 more transcripts); c.687C>T, p.Tyr229= (NM_173207.4).
Identifiers: ClinVar variation 3715113 (VCV003715113.3).
Genomic context (GRCh38, chr18:3,457,766, plus strand): 5'-ACAAAACACAGATATACAGCAGATAGCGGCCAAAAACTTCACAGACACCTCTCTCATGTA[C>T]CCAGAGGACACTTGTAAATCTGGACCAAGTACGAATACACAGAGTGGTCTTTTCAACACT-3'
Protein context (NP_003235.1, residues 205-225): AKNFTDTSLM[Tyr215=]PEDTCKSGPS